The following is an entry in ClinVar:

NM_001267550.2(TTN):c.102421C>A (p.Gln34141Lys)

Genes: TTN-AS1 (TTN antisense RNA 1; plus strand), TTN (titin; minus strand). Cytogenetic location: 2q31.2.
Variant type: single nucleotide variant.
Coding change: c.102421C>A on transcript NM_001267550.2 (MANE Select); coding-DNA position 102421, C replaced by A.
Protein change: p.Gln34141Lys; replaces glutamine 34141 with lysine.
Molecular consequence: missense variant.
Genome position (GRCh38, 1-based): chr2:178,534,194, G>T on the plus strand (C>A on the coding strand, the complement: TTN is on the minus strand). VCF-style: chr2-178534194-G-T. GRCh37 (hg19) VCF-style: chr2-179398921-G-T.
Other names: c.97498C>A, p.Gln32500Lys (NM_001256850.1); c.75226C>A, p.Gln25076Lys (NM_003319.4); c.94717C>A, p.Gln31573Lys (NM_133378.4); c.75601C>A, p.Gln25201Lys (NM_133432.3); c.75802C>A, p.Gln25268Lys (NM_133437.4); short protein forms Q25076K, Q25201K, Q25268K, Q31573K, Q32500K, Q34141K.
Identifiers: ClinVar variation 2507266 (VCV002507266.4), dbSNP rs2468525714, ClinGen allele CA349417587.
Genomic context (GRCh38, chr2:178,534,194, plus strand): 5'-TTTCAATTTTGCATACATATTTGACATGTCCTCCTTCTTCACCAACTGCATGCATTATCT[G>T]CCCAGAAACTGGGCCAATTTCAATGGATGCCACTTTAACTTTAGCAACACTCACTCCCTT-3'
Protein context (NP_001254479.2, residues 34131-34151): ASIEIGPVSG[Gln34141Lys]IMHAVGEEGG

ClinVar aggregate classification (germline): Uncertain significance. Review status: criteria provided, multiple submitters, no conflicts (2 of 4 stars). 2 submissions from 2 submitters: Uncertain significance (2). Last evaluated 2023-05-03.

Conditions:
Autosomal recessive limb-girdle muscular dystrophy type 2J (LGMDR10). Also called: MUSCULAR DYSTROPHY, LIMB-GIRDLE, AUTOSOMAL RECESSIVE 10; Limb-girdle muscular dystrophy, type 2J. Identifiers: Orphanet 140922, MedGen C1837342, MONDO:0012127, OMIM 608807.
Dilated cardiomyopathy 1G (CMD1G). Identifiers: Orphanet 154, MedGen C1858763, MONDO:0011400, OMIM 604145.

Submissions (2):

Labcorp Genetics (formerly Invitae), Labcorp
Classification: Uncertain significance for Dilated cardiomyopathy 1G; Autosomal recessive limb-girdle muscular dystrophy type 2J. Last evaluated: 2023-05-03. Review status: criteria provided, single submitter. Criteria: Invitae Variant Classification Sherloc (09022015). Collection method: clinical testing. Allele origin: germline.
Comment: This variant is not present in population databases (gnomAD no frequency). This sequence change replaces glutamine, which is neutral and polar, with lysine, which is basic and polar, at codon 34141 of the TTN protein (p.Gln34141Lys). This variant has not been reported in the literature in individuals affected with TTN-related conditions. In summary, the available evidence is currently insufficient to determine the role of this variant in disease. Therefore, it has been classified as a Variant of Uncertain Significance. Experimental studies and prediction algorithms are not available or were not evaluated, and the functional significance of this variant is currently unknown.

GeneDx
Classification: Uncertain significance. Last evaluated: 2022-12-28. Review status: criteria provided, single submitter. Criteria: GeneDx Variant Classification Process June 2021. Collection method: clinical testing. Allele origin: germline. Affected: yes.
Comment: Not observed at significant frequency in large population cohorts (gnomAD); Missense variant in a gene in which most reported pathogenic variants are truncating/loss of function; Has not been previously published as pathogenic or benign to our knowledge